The following is an entry in ClinVar:

ClinVar aggregate classification (germline): Conflicting classifications of pathogenicity. Review status: criteria provided, conflicting classifications (1 of 4 stars). 7 submissions from 7 submitters: Uncertain significance (1); Benign (2); Likely benign (3). 1 of the submissions does not count toward it. Last evaluated 2026-08-01.

Conditions:
Hereditary cancer-predisposing syndrome. Also called: Neoplastic Syndromes, Hereditary; Tumor predisposition; Hereditary Cancer Syndrome; Hereditary neoplastic syndrome. Identifiers: Orphanet 140162, MedGen C0027672, MeSH D009386, MONDO:0015356.
Multiple endocrine neoplasia type 2A. Also called: MULTIPLE ENDOCRINE NEOPLASIA, TYPE IIA; PTC SYNDROME; SIPPLE SYNDROME; MEN 2A; MEN-2A syndrome; Pheochromocytoma and amyloid producing medullary thyroid carcinoma. Identifiers: Orphanet 247698, Orphanet 653, MedGen C0025268, MeSH D018813, MONDO:0008234, OMIM 171400.
Multiple endocrine neoplasia, type 2 (MEN2). Identifiers: Orphanet 653, MedGen C4048306, MONDO:0019003. Disease mechanism: gain of function.

gnomAD v4.1: 572 of 1,398,516 alleles (0.041%); highest among the groups gnomAD compares: Non-Finnish European, 0.0073%; 8 homozygotes.

Submissions (7):

CeGaT Center for Human Genetics Tuebingen
Classification: Likely benign. Last evaluated: 2026-08-01. Review status: criteria provided, single submitter. Criteria: CeGaT Center For Human Genetics Tuebingen Variant Classification Criteria Version 2. Collection method: clinical testing. Allele origin: germline. Affected: yes. Observed: 42 variant alleles.
Comment: RET: BS1

Labcorp Genetics (formerly Invitae), Labcorp
Classification: Benign for Multiple endocrine neoplasia, type 2. Last evaluated: 2025-08-04. Review status: criteria provided, single submitter. Criteria: Invitae Variant Classification Sherloc (09022015). Collection method: clinical testing. Allele origin: germline.

ARUP Laboratories, Molecular Genetics and Genomics, ARUP Laboratories
Classification: Benign. Last evaluated: 2025-06-17. Review status: criteria provided, single submitter. Criteria: ARUP Molecular Germline Variant Investigation Process 2024. Collection method: clinical testing. Allele origin: germline.

Sema4
Classification: Likely benign for Hereditary cancer-predisposing syndrome. Last evaluated: 2020-09-21. Review status: criteria provided, single submitter. Criteria: Sema4 Curation Guidelines. Collection method: curation. Allele origin: germline.

GeneDx
Classification: Likely benign. Last evaluated: 2018-02-01. Review status: criteria provided, single submitter. Criteria: GeneDx Variant Classification (06012015). Collection method: clinical testing. Allele origin: germline. Affected: yes.
Comment: This variant is considered likely benign or benign based on one or more of the following criteria: it is a conservative change, it occurs at a poorly conserved position in the protein, it is predicted to be benign by multiple in silico algorithms, and/or has population frequency not consistent with disease.

Eurofins Ntd Llc (ga)
Classification: Uncertain significance. Last evaluated: 2017-01-09. Review status: criteria provided, single submitter. Criteria: EGL Classification Definitions 2015. Collection method: clinical testing. Allele origin: germline. Observed: 2 variant alleles, 2 heterozygotes.

Counsyl
Classification: Likely benign for Multiple endocrine neoplasia type 2A. Last evaluated: 2018-02-06. Review status: no assertion criteria provided. Collection method: clinical testing. Allele origin: unknown. Not counted in ClinVar's aggregate classification.

NM_020975.6(RET):c.2284+54C>A

Gene: RET (ret proto-oncogene; plus strand). Cytogenetic location: 10q11.21.
Variant type: single nucleotide variant.
Coding change: c.2284+54C>A on transcript NM_020975.6 (MANE Select); 54 bases into the intron after coding-DNA position 2284, C replaced by A.
Molecular consequence: intron variant.
Genome position (GRCh38, 1-based): chr10:43,116,785, C>A. VCF-style: chr10-43116785-C-A. GRCh37 (hg19) VCF-style: chr10-43612233-C-A.
Other names: c.2284+54C>A (NM_020630.7, NM_001406743.1, NM_001406744.1 and 2 more transcripts); c.2149+54C>A (NM_001406765.1, NM_001406763.1); c.1888+54C>A (NM_001406772.1, NM_001406769.1); c.1846+54C>A (NM_001406773.1, NM_001406771.1); c.1387+54C>A (NM_001406782.1, NM_001406780.1, NM_001406779.1 and 1 more transcripts); c.1252+54C>A (NM_001406787.1); c.1267+54C>A (NM_001406785.1); c.2155+54C>A (NM_001406764.1, NM_001406762.1, NM_001406761.1); and 10 more.
Identifiers: ClinVar variation 220577 (VCV000220577.44), dbSNP rs566375223, ClinGen allele CA349855.
Genomic context (GRCh38, chr10:43,116,785, plus strand): 5'-CTGAAAGGTACCTGCCAGGCACAGGCACAGTGCCCCTGGGGGAGTCTCCGGGGCGGGGGG[C>A]GGGTGAGGCCCCTCCTGCCCAGCATGGGACCCTGAAGAGCCCCCAATGCTGTTCTAGAGC-3'